The following is an entry in ClinVar:

ClinVar aggregate classification (germline): Uncertain significance (1 of 4 stars; one submission).

Conditions:
EGFR-related lung cancer (EGFR). Identifiers: MedGen CN130014.

Submission:

Labcorp Genetics (formerly Invitae), Labcorp
Classification: Uncertain significance for EGFR-related lung cancer. Last evaluated: 2020-09-30. Review status: criteria provided, single submitter. Criteria: Invitae Variant Classification Sherloc (09022015). Collection method: clinical testing. Allele origin: germline.
Comment: In summary, the available evidence is currently insufficient to determine the role of this variant in disease. Therefore, it has been classified as a Variant of Uncertain Significance. Algorithms developed to predict the effect of sequence changes on RNA splicing suggest that this variant may disrupt the consensus splice site, but this prediction has not been confirmed by published transcriptional studies. This variant has not been reported in the literature in individuals with EGFR-related conditions. This variant is not present in population databases (ExAC no frequency). This sequence change affects codon 728 of the EGFR mRNA. It is a 'silent' change, meaning that it does not change the encoded amino acid sequence of the EGFR protein.

NM_005228.5(EGFR):c.2184G>A (p.Lys728=)

Gene: EGFR (epidermal growth factor receptor; plus strand). Cytogenetic location: 7p11.2.
Variant type: single nucleotide variant.
Coding change: c.2184G>A on transcript NM_005228.5 (MANE Select); coding-DNA position 2184, G replaced by A.
Protein change: p.Lys728=; no amino-acid change (lysine 728 retained).
Molecular consequence: synonymous variant.
Genome position (GRCh38, 1-based): chr7:55,174,043, G>A. VCF-style: chr7-55174043-G-A. GRCh37 (hg19) VCF-style: chr7-55241736-G-A.
Other names: c.2049G>A, p.Lys683= (NM_001346897.2, NM_001346899.2); c.2184G>A, p.Lys728= (NM_001346898.2); c.2025G>A, p.Lys675= (NM_001346900.2); c.1383G>A, p.Lys461= (NM_001346941.2).
Identifiers: ClinVar variation 1060013 (VCV001060013.9), dbSNP rs1786480922, ClinGen allele CA454979187.